The following is an entry in ClinVar:

ClinVar aggregate classification (germline): Uncertain significance (1 of 4 stars; one submission).

Conditions:
Bethlem myopathy 1A. Also called: Bethlem myopathy 1; Bethlem Muscular Dystrophy; MYOPATHY, BENIGN CONGENITAL, WITH CONTRACTURES. Identifiers: Orphanet 610, MedGen CN029274, MONDO:0024530, OMIM 158810.

Submission:

Labcorp Genetics (formerly Invitae), Labcorp
Classification: Uncertain significance for Bethlem myopathy 1A. Last evaluated: 2025-06-23. Review status: criteria provided, single submitter. Criteria: Invitae Variant Classification Sherloc (09022015). Collection method: clinical testing. Allele origin: germline.
Comment: This sequence change replaces threonine, which is neutral and polar, with lysine, which is basic and polar, at codon 2940 of the COL6A3 protein (p.Thr2940Lys). This variant is not present in population databases (gnomAD no frequency). This variant has not been reported in the literature in individuals affected with COL6A3-related conditions. Invitae Evidence Modeling of protein sequence and biophysical properties (such as structural, functional, and spatial information, amino acid conservation, physicochemical variation, residue mobility, and thermodynamic stability) indicates that this missense variant is not expected to disrupt COL6A3 protein function with a negative predictive value of 95%. In summary, the available evidence is currently insufficient to determine the role of this variant in disease. Therefore, it has been classified as a Variant of Uncertain Significance.

NM_004369.4(COL6A3):c.8819C>A (p.Thr2940Lys)

Gene: COL6A3 (collagen type VI alpha 3 chain; minus strand). Cytogenetic location: 2q37.3.
Variant type: single nucleotide variant.
Coding change: c.8819C>A on transcript NM_004369.4 (MANE Select); coding-DNA position 8819, C replaced by A.
Protein change: p.Thr2940Lys; replaces threonine 2940 with lysine.
Molecular consequence: missense variant.
Genome position (GRCh38, 1-based): chr2:237,336,281, G>T on the plus strand (C>A on the coding strand, the complement: COL6A3 is on the minus strand). VCF-style: chr2-237336281-G-T. GRCh37 (hg19) VCF-style: chr2-238244924-G-T.
Other names: c.6998C>A, p.Thr2333Lys (NM_057166.5); c.8201C>A, p.Thr2734Lys (NM_057167.4); short protein forms T2734K, T2940K, T2333K.
Identifiers: ClinVar variation 4765824 (VCV004765824.1).